The following is an entry in ClinVar:

NM_178170.3(NEK8):c.1384C>T (p.Arg462Ter)

Gene: NEK8 (NIMA related kinase 8; plus strand). Cytogenetic location: 17q11.2.
Variant type: single nucleotide variant.
Coding change: c.1384C>T on transcript NM_178170.3 (MANE Select); coding-DNA position 1384, C replaced by T.
Protein change: p.Arg462Ter; replaces arginine 462 with a stop codon.
Molecular consequence: nonsense.
Genome position (GRCh38, 1-based): chr17:28,739,168, C>T. VCF-style: chr17-28739168-C-T. GRCh37 (hg19) VCF-style: chr17-27066186-C-T.
Other names: short protein forms R462*.
Identifiers: ClinVar variation 490184 (VCV000490184.4), dbSNP rs770284675, ClinGen allele CA289114642.

ClinVar aggregate classification (germline): Pathogenic. Review status: criteria provided, multiple submitters, no conflicts (2 of 4 stars). 3 submissions from 3 submitters: Pathogenic (2). 1 of the submissions does not count toward it. Last evaluated 2024-01-15.

Conditions:
Polycystic kidney disease 8. Identifiers: MedGen C5935640, MONDO:0971178, OMIM 620903.
Renal-hepatic-pancreatic dysplasia 2 (RHPD2). Identifiers: MedGen C3809434, MONDO:0014174, OMIM 615415.
Nephronophthisis 9 (NPHP9). Identifiers: Orphanet 655, MedGen C3151188, MONDO:0013444, OMIM 613824.

Allele frequency attached by ClinVar (database versions not stated): TOPMed below 0.00001.
gnomAD v4.1: 12 of 1,614,014 alleles (0.00074%); highest among the groups gnomAD compares: South Asian, 0.0055%; no homozygotes.

Submissions (3):

Fulgent Genetics
Classification: Pathogenic for Nephronophthisis 9; Renal-hepatic-pancreatic dysplasia 2; Polycystic kidney disease 8. Last evaluated: 2024-01-15. Review status: criteria provided, single submitter. Criteria: ACMG Guidelines, 2015. Collection method: clinical testing. Allele origin: germline.

Juno Genomics, Hangzhou Juno Genomics, Inc
Classification: Pathogenic for Polycystic kidney disease 8; Nephronophthisis 9; Renal-hepatic-pancreatic dysplasia 2. Review status: criteria provided, single submitter. Criteria: ACMG Guidelines, 2015. Collection method: clinical testing. Allele origin: germline.
Comment: Absent from controls (or at extremely low frequency if recessive) in Genome Aggregation Database.;Null variant in a gene where loss of function (LOF) is a known mechanism of disease.;For recessive disorders, detected in trans with a pathogenic variant.

OMIM
Classification: Pathogenic for RENAL-HEPATIC-PANCREATIC DYSPLASIA 2. Last evaluated: 2018-02-14. Review status: no assertion criteria provided. Collection method: literature only. Allele origin: germline. Not counted in ClinVar's aggregate classification.

Literature cited by the submitters: PubMed 26967905 (cited by OMIM).